The following is an entry in ClinVar:

NM_004279.3(PMPCB):c.1441C>T (p.Arg481Cys)

Gene: PMPCB (peptidase, mitochondrial processing subunit beta; plus strand). Cytogenetic location: 7q22.1.
Variant type: single nucleotide variant.
Coding change: c.1441C>T on transcript NM_004279.3 (MANE Select); coding-DNA position 1441, C replaced by T.
Protein change: p.Arg481Cys; replaces arginine 481 with cysteine.
Molecular consequence: missense variant.
Genome position (GRCh38, 1-based): chr7:103,312,242, C>T. VCF-style: chr7-103312242-C-T. GRCh37 (hg19) VCF-style: chr7-102952689-C-T.
Other names: short protein forms R481C.
Identifiers: ClinVar variation 2170742 (VCV002170742.4), dbSNP rs763177905, ClinGen allele CA4418304.

ClinVar aggregate classification (germline): Uncertain significance (1 of 4 stars; one submission).

Allele frequency attached by ClinVar (database versions not stated): TOPMed 0.00001; ExAC 0.00004.
gnomAD v4.1: 37 of 1,612,602 alleles (0.0023%); highest among the groups gnomAD compares: Admixed American, 0.028%; no homozygotes.

Submission:

Labcorp Genetics (formerly Invitae), Labcorp
Classification: Uncertain significance. Last evaluated: 2024-05-15. Review status: criteria provided, single submitter. Criteria: Invitae Variant Classification Sherloc (09022015). Collection method: clinical testing. Allele origin: germline.
Comment: This sequence change replaces arginine, which is basic and polar, with cysteine, which is neutral and slightly polar, at codon 481 of the PMPCB protein (p.Arg481Cys). This variant is present in population databases (rs763177905, gnomAD 0.04%). This variant has not been reported in the literature in individuals affected with PMPCB-related conditions. ClinVar contains an entry for this variant (Variation ID: 2170742). Algorithms developed to predict the effect of missense changes on protein structure and function output the following: SIFT: "Not Available"; PolyPhen-2: "Possibly Damaging"; Align-GVGD: "Not Available". The cysteine amino acid residue is found in multiple mammalian species, which suggests that this missense change does not adversely affect protein function. In summary, the available evidence is currently insufficient to determine the role of this variant in disease. Therefore, it has been classified as a Variant of Uncertain Significance.